The following is an entry in ClinVar:

NM_001844.5(COL2A1):c.3364G>A (p.Gly1122Arg)

Gene: COL2A1 (collagen type II alpha 1 chain; minus strand). Cytogenetic location: 12q13.11.
Variant type: single nucleotide variant.
Coding change: c.3364G>A on transcript NM_001844.5 (MANE Select); coding-DNA position 3364, G replaced by A.
Protein change: p.Gly1122Arg; replaces glycine 1122 with arginine.
Molecular consequence: missense variant.
Genome position (GRCh38, 1-based): chr12:47,976,883, C>T on the plus strand (G>A on the coding strand, the complement: COL2A1 is on the minus strand). VCF-style: chr12-47976883-C-T. GRCh37 (hg19) VCF-style: chr12-48370666-C-T.
Other names: c.3157G>A, p.Gly1053Arg (NM_033150.3); short protein forms G1053R, G1122R.
Identifiers: ClinVar variation 2137326 (VCV002137326.4), dbSNP rs2540105848, ClinGen allele CA384539028.

ClinVar aggregate classification (germline): Likely pathogenic (1 of 4 stars; one submission).

Submission:

Labcorp Genetics (formerly Invitae), Labcorp
Classification: Likely pathogenic. Last evaluated: 2024-06-03. Review status: criteria provided, single submitter. Criteria: Invitae Variant Classification Sherloc (09022015). Collection method: clinical testing. Allele origin: germline.
Comment: This sequence change replaces glycine, which is neutral and non-polar, with arginine, which is basic and polar, at codon 1122 of the COL2A1 protein (p.Gly1122Arg). This variant is not present in population databases (gnomAD no frequency). This missense change has been observed in individual(s) with autosomal dominant COL2A1-related conditions (PMID: 17163530). This variant is also known as 3157G>A (Gly922Arg). ClinVar contains an entry for this variant (Variation ID: 2137326). Advanced modeling of protein sequence and biophysical properties (such as structural, functional, and spatial information, amino acid conservation, physicochemical variation, residue mobility, and thermodynamic stability) performed at Invitae indicates that this missense variant is expected to disrupt COL2A1 protein function with a positive predictive value of 95%. This variant disrupts the triple helix domain of COL2A1. Glycine residues within the Gly-Xaa-Yaa repeats of the triple helix domain are required for the structure and stability of fibrillar collagens (PMID: 7695699, 8218237, 19344236). In COL2A1, variants affecting these glycine residues are significantly enriched in individuals with disease (PMID: 9016532, 17078022) compared to the general population (ExAC). In summary, the currently available evidence indicates that the variant is pathogenic, but additional data are needed to prove that conclusively. Therefore, this variant has been classified as Likely Pathogenic.

Literature cited by the submitters: PubMed 17163530; PubMed 7695699; PubMed 8218237; PubMed 19344236; PubMed 9016532; PubMed 17078022.